The following is an entry in ClinVar:

ClinVar aggregate classification (germline): Uncertain significance. Review status: criteria provided, multiple submitters, no conflicts (2 of 4 stars). 3 submissions from 3 submitters: Uncertain significance (3). Last evaluated 2024-08-20.

Conditions:
Inborn genetic diseases. Identifiers: MedGen C0950123, MeSH D030342.

Allele frequency attached by ClinVar (database versions not stated): TOPMed 0.00003; gnomAD exomes below 0.00001 and 0.00001.
gnomAD v4.1: 6 of 1,557,752 alleles (0.00039%); highest among the groups gnomAD compares: East Asian, 0.0045%; no homozygotes.

Submissions (3):

GeneDx
Classification: Uncertain significance. Last evaluated: 2024-08-20. Review status: criteria provided, single submitter. Criteria: GeneDx Variant Classification Process June 2021. Collection method: clinical testing. Allele origin: germline. Affected: yes.
Comment: Not observed at significant frequency in large population cohorts (gnomAD); In silico analysis supports that this missense variant has a deleterious effect on protein structure/function; This variant is associated with the following publications: (PMID: 34958143)

Ambry Genetics
Classification: Uncertain significance for Inborn genetic diseases. Last evaluated: 2021-07-27. Review status: criteria provided, single submitter. Criteria: Ambry Variant Classification Scheme 2023. Collection method: clinical testing. Allele origin: germline.

CeGaT Center for Human Genetics Tuebingen
Classification: Uncertain significance. Last evaluated: 2020-07-01. Review status: criteria provided, single submitter. Criteria: CeGaT Center For Human Genetics Tuebingen Variant Classification Criteria Version 2. Collection method: clinical testing. Allele origin: germline. Affected: yes. Observed: 3 variant alleles.

NM_002662.5(PLD1):c.1238T>C (p.Val413Ala)

Gene: PLD1 (phospholipase D1; minus strand). Cytogenetic location: 3q26.31.
Variant type: single nucleotide variant.
Coding change: c.1238T>C on transcript NM_002662.5 (MANE Select); coding-DNA position 1238, T replaced by C.
Protein change: p.Val413Ala; replaces valine 413 with alanine.
Molecular consequence: missense variant.
Genome position (GRCh38, 1-based): chr3:171,692,432, A>G on the plus strand (T>C on the coding strand, the complement: PLD1 is on the minus strand). VCF-style: chr3-171692432-A-G. GRCh37 (hg19) VCF-style: chr3-171410222-A-G.
Other names: c.1238T>C, p.Val413Ala (NM_001130081.3); c.1238T>C (NM_002662.4); short protein forms V413A.
Identifiers: ClinVar variation 932458 (VCV000932458.42), dbSNP rs974458049, ClinGen allele CA87731178.